The following is an entry in ClinVar:

ClinVar aggregate classification (germline): Benign/Likely benign. Review status: criteria provided, multiple submitters, no conflicts (2 of 4 stars). 10 submissions from 10 submitters: Benign (7); Likely benign (2). 1 of the submissions does not count toward it. Last evaluated 2026-02-04.

Conditions:
Propionic acidemia (PROP). Also called: GLYCINEMIA, KETOTIC; HYPERGLYCINEMIA WITH KETOACIDOSIS AND LEUKOPENIA; KETOTIC HYPERGLYCINEMIA. Identifiers: Orphanet 35, MedGen C0268579, MONDO:0011628, OMIM 606054, HP:0003571.

Allele frequency attached by ClinVar (database versions not stated): 1000 Genomes Project 0.00839; TOPMed 0.01155; ESP Exome Variant Server 0.01223; gnomAD 0.01356 and 0.01379; gnomAD exomes 0.01580 and 0.01732; ExAC 0.01621; 1000 Genomes Project 30x 0.00796.
gnomAD v4.1: 27,021 of 1,602,596 alleles (1.7%); highest among the groups gnomAD compares: South Asian, 2.2%; 272 homozygotes.

Submissions (10):

Labcorp Genetics (formerly Invitae), Labcorp
Classification: Benign for Propionic acidemia. Last evaluated: 2026-02-04. Review status: criteria provided, single submitter. Criteria: Invitae Variant Classification Sherloc (09022015). Collection method: clinical testing. Allele origin: germline.

Mayo Clinic Laboratories, Mayo Clinic
Classification: Benign. Last evaluated: 2023-10-13. Review status: criteria provided, single submitter. Criteria: ACMG Guidelines, 2015. Collection method: clinical testing. Allele origin: germline. Observed: 18 variant alleles.
Comment: BS1, BS2, BP4, BP7

ARUP Laboratories, Molecular Genetics and Genomics, ARUP Laboratories
Classification: Benign for Propionic acidemia. Last evaluated: 2021-11-26. Review status: criteria provided, single submitter. Criteria: ARUP Molecular Germline Variant Investigation Process 2021. Collection method: clinical testing. Allele origin: germline.

GeneDx
Classification: Benign. Last evaluated: 2018-03-05. Review status: criteria provided, single submitter. Criteria: GeneDx Variant Classification (06012015). Collection method: clinical testing. Allele origin: germline. Affected: yes.
Comment: This variant is considered likely benign or benign based on one or more of the following criteria: it is a conservative change, it occurs at a poorly conserved position in the protein, it is predicted to be benign by multiple in silico algorithms, and/or has population frequency not consistent with disease.

Illumina Laboratory Services, Illumina
Classification: Likely benign for Propionic acidemia. Last evaluated: 2018-01-12. Review status: criteria provided, single submitter. Criteria: ICSL Variant Classification Criteria 13 December 2019. Collection method: clinical testing. Allele origin: germline.
Comment: This variant was observed in the ICSL laboratory as part of a predisposition screen in an ostensibly healthy population. It had not been previously curated by ICSL or reported in the Human Gene Mutation Database (HGMD: prior to June 1st, 2018), and was therefore a candidate for classification through an automated scoring system. Utilizing variant allele frequency, disease prevalence and penetrance estimates, and inheritance mode, an automated score was calculated to assess if this variant is too frequent to cause the disease. Based on the score and internal cut-off values, a variant classified as likely benign is not then subjected to further curation. The score for this variant resulted in a classification of likely benign for this disease.

Women's Health and Genetics/Laboratory Corporation of America, LabCorp
Classification: Benign. Last evaluated: 2018-01-05. Review status: criteria provided, single submitter. Criteria: LabCorp Variant Classification Summary - May 2015. Collection method: clinical testing. Allele origin: germline.
Comment: Variant summary: The PCCA c.1429+7A>G variant involves the alteration of a non-conserved intronic nucleotide. One in silico tool predicts a benign outcome for this variant. 4/5 splice prediction tools predict no significant impact on normal splicing. However, these predictions have yet to be confirmed by functional studies. This variant was found in 4420/277054 control chromosomes (51 homozygotes) at a frequency of 0.0159536, which is approximately 5 times the estimated maximal expected allele frequency of a pathogenic PCCA variant (0.003446), suggesting this variant is likely a benign polymorphism. In addition, multiple clinical diagnostic laboratories/reputable databases classified this variant as benign. The variant of interest has not, to our knowledge, been reported in affected individuals via publications and/or reputable databases/clinical diagnostic laboratories; nor evaluated for functional impact by in vivo/vitro studies. Taken together, this variant is classified as benign.

Eurofins Ntd Llc (ga)
Classification: Benign. Last evaluated: 2015-01-13. Review status: criteria provided, single submitter. Criteria: EGL Classification Definitions 2015. Collection method: clinical testing. Allele origin: germline. Observed: 3 variant alleles, 3 heterozygotes.

Breakthrough Genomics
Classification: Likely benign. Review status: criteria provided, single submitter. Criteria: ACMG Guidelines, 2015. Collection method: not provided. Allele origin: germline. Inheritance: Autosomal recessive inheritance. Affected: yes.

PreventionGenetics, part of Exact Sciences
Classification: Benign. Review status: criteria provided, single submitter. Criteria: ACMG Guidelines, 2015. Collection method: clinical testing. Allele origin: germline.

Natera, Inc.
Classification: Benign for Propionic acidemia. Last evaluated: 2020-09-16. Review status: no assertion criteria provided. Collection method: clinical testing. Allele origin: germline. Not counted in ClinVar's aggregate classification.

NM_000282.4(PCCA):c.1429+7A>G

Gene: PCCA (propionyl-CoA carboxylase subunit alpha; plus strand). Cytogenetic location: 13q32.3.
Variant type: single nucleotide variant.
Coding change: c.1429+7A>G on transcript NM_000282.4 (MANE Select); 7 bases into the intron after coding-DNA position 1429, A replaced by G.
Molecular consequence: intron variant.
Genome position (GRCh38, 1-based): chr13:100,309,915, A>G. VCF-style: chr13-100309915-A-G. GRCh37 (hg19) VCF-style: chr13-100962169-A-G.
Other names: p.?; c.1429+7A>G (NM_001178004.2, NM_001352605.2, NM_001352609.2); c.1285+7A>G (NM_001352606.2); c.484+7A>G (NM_001352610.2, NM_001352611.2); c.340+7A>G (NM_001352612.2); c.1351+7A>G (NM_001127692.3, NM_001352607.2); c.1207+7A>G (NM_001352608.2).
Identifiers: ClinVar variation 194593 (VCV000194593.29), dbSNP rs16957276, ClinGen allele CA201250.